The following is an entry in ClinVar:

ClinVar aggregate classification (germline): Likely benign (1 of 4 stars; one submission).

Allele frequency attached by ClinVar (database versions not stated): gnomAD 0.01102 and 0.01120; TOPMed 0.01123; 1000 Genomes Project 30x 0.01827; 1000 Genomes Project 0.01957.
gnomAD v4.1: 1,696 of 152,224 alleles (1.1%); highest among the groups gnomAD compares: East Asian, 5%; 22 homozygotes.

Submission:

GeneDx
Classification: Likely benign. Last evaluated: 2018-06-14. Review status: criteria provided, single submitter. Criteria: GeneDx Variant Classification (06012015). Collection method: clinical testing. Allele origin: germline. Affected: yes.
Comment: This variant is considered likely benign or benign based on one or more of the following criteria: it is a conservative change, it occurs at a poorly conserved position in the protein, it is predicted to be benign by multiple in silico algorithms, and/or has population frequency not consistent with disease.

NM_005477.3(HCN4):c.1978+260T>A

Gene: HCN4 (hyperpolarization activated cyclic nucleotide gated potassium channel 4; minus strand). Cytogenetic location: 15q24.1.
Variant type: single nucleotide variant.
Coding change: c.1978+260T>A on transcript NM_005477.3 (MANE Select); 260 bases into the intron after coding-DNA position 1978, T replaced by A.
Molecular consequence: intron variant.
Genome position (GRCh38, 1-based): chr15:73,324,695, A>T on the plus strand (T>A on the coding strand, the complement: HCN4 is on the minus strand). VCF-style: chr15-73324695-A-T. GRCh37 (hg19) VCF-style: chr15-73617036-A-T.
Identifiers: ClinVar variation 668905 (VCV000668905.1), dbSNP rs140161480, ClinGen allele CA272665914.
Genomic context (GRCh38, chr15:73,324,695, plus strand): 5'-ACATGAGGACACAGCGAGAAGTCAGCAGTGCAGCCCAGAAGAGGGCCCTCACCAGCCCCA[A>T]CCATGCTGGCCCCCTCAGCTCAGATGGCCAGCCTCCAGAACCATGACACATACATTTCTG-3'